The following is an entry in ClinVar:

ClinVar aggregate classification (germline): Pathogenic. Review status: criteria provided, multiple submitters, no conflicts (2 of 4 stars). 2 submissions from 2 submitters: Pathogenic (2). Last evaluated 2024-02-28.

Conditions:
Juvenile amyotrophic lateral sclerosis (JALS). Also called: Juvenile Amyotrophic Lateral Sclerosis (JALS). Identifiers: Orphanet 300605, MedGen C3468114, MONDO:0017593.

Allele frequency attached by ClinVar (database versions not stated): gnomAD exomes below 0.00001; TOPMed below 0.00001; ExAC 0.00001.
gnomAD v4.1: 5 of 1,614,110 alleles (0.00031%); highest among the groups gnomAD compares: African/African-American, 0.0013%; no homozygotes.

Submissions (2):

GeneDx
Classification: Pathogenic. Last evaluated: 2024-02-28. Review status: criteria provided, single submitter. Criteria: GeneDx Variant Classification Process June 2021. Collection method: clinical testing. Allele origin: germline. Affected: yes.
Comment: Observed in apparent homozygous state as R7842X in a patient with ataxia and ALS-like motor neuron disease in the literature and not observed in homozygous state in controls (PMID: 25681989, 32579787); Nonsense variant predicted to result in protein truncation or nonsense mediated decay in a gene for which loss of function is a known mechanism of disease; Not observed at significant frequency in large population cohorts (gnomAD); This variant is associated with the following publications: (PMID: 34426522, 25681989, 32579787)

Suna and Inan Kirac Foundation Neurodegeneration Research Laboratory, Koc University
Classification: Pathogenic for Juvenile amyotrophic lateral sclerosis. Last evaluated: 2020-03-31. Review status: criteria provided, single submitter. Criteria: ACMG Guidelines, 2015. Collection method: research. Allele origin: germline. Affected: yes. Observed: 3 variant alleles.

NM_182961.4(SYNE1):c.23524C>T (p.Arg7842Ter)

Gene: SYNE1 (spectrin repeat containing nuclear envelope protein 1; minus strand). Cytogenetic location: 6q25.2.
Variant type: single nucleotide variant.
Coding change: c.23524C>T on transcript NM_182961.4 (MANE Select); coding-DNA position 23524, C replaced by T.
Protein change: p.Arg7842Ter; replaces arginine 7842 with a stop codon.
Molecular consequence: nonsense.
Genome position (GRCh38, 1-based): chr6:152,176,497, G>A on the plus strand (C>T on the coding strand, the complement: SYNE1 is on the minus strand). VCF-style: chr6-152176497-G-A. GRCh37 (hg19) VCF-style: chr6-152497632-G-A.
Other names: c.23311C>T (NM_033071.3); c.130C>T, p.Arg44Ter (NM_001347701.2); c.23311C>T, p.Arg7771Ter (NM_033071.5); short protein forms R44*, R7771*, R7842*.
Identifiers: ClinVar variation 873271 (VCV000873271.2), dbSNP rs775935265, ClinGen allele CA4053575.